The following is an entry in ClinVar:

ClinVar aggregate classification (germline): Likely pathogenic. Review status: criteria provided, multiple submitters, no conflicts (2 of 4 stars). 4 submissions from 4 submitters: Likely pathogenic (4). Last evaluated 2026-03-09.

Conditions:
SPG7-related disorder. Also called: SPG7-related condition.
Hereditary spastic paraplegia 7 (SPG7). Also called: Spastic paraplegia 7; Hereditary spastic paraplegia Paraplegin type; SPASTIC PARAPLEGIA 7, AUTOSOMAL RECESSIVE, WITH OR WITHOUT CEREBELLAR ATAXIA; Autosomal recessive spastic paraplegia type 7; SPG7-related neurologic disorder. Identifiers: Orphanet 99013, MedGen C1846564, MONDO:0011803, OMIM 607259.

Allele frequency attached by ClinVar (database versions not stated): gnomAD exomes below 0.00001.

Submissions (4):

PreventionGenetics, part of Exact Sciences
Classification: Likely pathogenic for SPG7-related condition. Last evaluated: 2026-03-09. Review status: criteria provided, single submitter. Criteria: ACMG Guidelines, 2015. Collection method: clinical testing. Allele origin: germline.
Comment: The SPG7 c.3G>A variant is predicted to disrupt the translation initiation site (Start loss). This variant has been reported in the homozygous state in an individual with spastic paraplegia (van Gassen et al. 2012. PubMed ID: 22964162). Other variants that disrupt the start codon have also been reported with a second SPG7 variant in patients with spastic paraplegia (c.1A>T in Elleuch et al. 2006. PubMed ID: 16534102; c.1A>T in Klebe et al. 2012. PubMed ID: 23065789). This variant has not been reported in a large population database (gnomAD), indicating this variant is rare. This variant is interpreted as likely pathogenic for autosomal recessive SPG7-related disorders.

CeGaT Center for Human Genetics Tuebingen
Classification: Likely pathogenic. Last evaluated: 2024-07-01. Review status: criteria provided, single submitter. Criteria: CeGaT Center For Human Genetics Tuebingen Variant Classification Criteria Version 2. Collection method: clinical testing. Allele origin: germline. Affected: yes. Observed: 2 variant alleles.
Comment: SPG7: PM2, PM3, PS1:Moderate, PVS1:Moderate

Fulgent Genetics
Classification: Likely pathogenic for Hereditary spastic paraplegia 7. Last evaluated: 2024-05-01. Review status: criteria provided, single submitter. Criteria: ACMG Guidelines, 2015. Collection method: clinical testing. Allele origin: germline.

PROSPAX: an integrated multimodal progression  chart in spastic ataxias, Center for Neurology; Hertie-Institute for Clinical Brain Research
Classification: Likely pathogenic for Hereditary spastic paraplegia 7. Last evaluated: 2022-01-01. Review status: criteria provided, single submitter. Criteria: ACMG Guidelines, 2015. Collection method: research. Allele origin: germline. Affected: yes.

NM_003119.4(SPG7):c.3G>A (p.Met1Ile)

Genes: SPG7 (SPG7 matrix AAA peptidase subunit, paraplegin; plus strand), LOC130059818 (ATAC-STARR-seq lymphoblastoid silent region 7911; plus strand). Cytogenetic location: 16q24.3.
Variant type: single nucleotide variant.
Coding change: c.3G>A on transcript NM_003119.4 (MANE Select); coding-DNA position 3, G replaced by A.
Protein change: p.Met1Ile; changes the start codon (methionine 1).
Molecular consequence: missense variant, initiator codon variant.
Genome position (GRCh38, 1-based): chr16:89,508,420, G>A. VCF-style: chr16-89508420-G-A. GRCh37 (hg19) VCF-style: chr16-89574828-G-A.
Other names: c.3G>A, p.Met1Ile (NM_001363850.1, NM_199367.3); c.3G>A (NM_003119.3); short protein forms M1I.
Identifiers: ClinVar variation 3242469 (VCV003242469.20), dbSNP rs2543660604.